The following is an entry in ClinVar:

NM_001436401.1(NOBOX):c.232C>A (p.Arg78Ser)

Gene: NOBOX (NOBOX oogenesis homeobox; minus strand). Cytogenetic location: 7q35.
Variant type: single nucleotide variant.
Coding change: c.232C>A on transcript NM_001436401.1 (MANE Select); coding-DNA position 232, C replaced by A.
Protein change: p.Arg78Ser; replaces arginine 78 with serine.
Molecular consequence: missense variant. On other transcripts: intron variant (1).
Genome position (GRCh38, 1-based): chr7:144,401,403, G>T on the plus strand (C>A on the coding strand, the complement: NOBOX is on the minus strand). VCF-style: chr7-144401403-G-T. GRCh37 (hg19) VCF-style: chr7-144098496-G-T.
Other names: NM_001080413.3:c.487C>A; c.38-1091C>A (NM_001436402.1); short protein forms R78S.
Identifiers: ClinVar variation 4087803 (VCV004087803.1).

ClinVar aggregate classification (germline): Uncertain significance (1 of 4 stars; one submission).

gnomAD v4.1: 8 of 1,611,638 alleles (0.0005%); highest among the groups gnomAD compares: East Asian, 0.0045%; no homozygotes.

Submission:

GeneDx
Classification: Uncertain significance. Last evaluated: 2025-03-23. Review status: criteria provided, single submitter. Criteria: GeneDx Variant Classification Process June 2021. Collection method: clinical testing. Allele origin: germline. Affected: yes.
Comment: Not observed at significant frequency in large population cohorts (gnomAD); In silico analysis indicates that this missense variant does not alter protein structure/function; Has not been previously published as pathogenic or benign to our knowledge